The following is an entry in ClinVar:

NM_005902.4(SMAD3):c.316A>T (p.Met106Leu)

Gene: SMAD3 (SMAD family member 3; plus strand). Cytogenetic location: 15q22.33.
Variant type: single nucleotide variant.
Coding change: c.316A>T on transcript NM_005902.4 (MANE Select); coding-DNA position 316, A replaced by T.
Protein change: p.Met106Leu; replaces methionine 106 with leucine.
Molecular consequence: missense variant. On other transcripts: initiator codon variant (1).
Genome position (GRCh38, 1-based): chr15:67,165,004, A>T. VCF-style: chr15-67165004-A-T. GRCh37 (hg19) VCF-style: chr15-67457342-A-T.
Other names: c.1A>T, p.Met1Leu (NM_001145102.2, NM_001407015.1, NM_001407016.1); c.184A>T, p.Met62Leu (NM_001145103.2); c.316A>T, p.Met106Leu (NM_001407011.1, NM_001407012.1, NM_001407013.1); c.169A>T, p.Met57Leu (NM_001407014.1); short protein forms M1L, M57L, M106L, M62L.
Identifiers: ClinVar variation 1728408 (VCV001728408.5), dbSNP rs138550573, ClinGen allele CA392954010.

ClinVar aggregate classification (germline): Uncertain significance. Review status: criteria provided, multiple submitters, no conflicts (2 of 4 stars). 2 submissions from 2 submitters: Uncertain significance (2). Last evaluated 2023-03-15.

Conditions:
Familial thoracic aortic aneurysm and aortic dissection (TAAD). Also called: Thoracic aortic aneurysms and dissections. Identifiers: Orphanet 91387, MedGen C4707243, MONDO:0019625.

Submissions (2):

Color Diagnostics, LLC DBA Color Health
Classification: Uncertain significance for Familial thoracic aortic aneurysm and aortic dissection. Last evaluated: 2023-03-15. Review status: criteria provided, single submitter. Criteria: ACMG Guidelines, 2015. Collection method: clinical testing. Allele origin: germline.
Comment: This missense variant replaces methionine with leucine at codon 106 of the SMAD3 protein. Computational prediction suggests that this variant may not impact protein structure and function (internally defined REVEL score threshold <= 0.5, PMID: 27666373). To our knowledge, functional studies have not been reported for this variant. This variant has not been reported in individuals affected with SMAD3-related disorders in the literature. This variant has not been identified in the general population by the Genome Aggregation Database (gnomAD). The available evidence is insufficient to determine the role of this variant in disease conclusively. Therefore, this variant is classified as a Variant of Uncertain Significance.

Ambry Genetics
Classification: Uncertain significance for Familial thoracic aortic aneurysm and aortic dissection. Last evaluated: 2022-08-24. Review status: criteria provided, single submitter. Criteria: Ambry Variant Classification Scheme 2023. Collection method: clinical testing. Allele origin: germline.
Comment: The p.M106L variant (also known as c.316A>T), located in coding exon 2 of the SMAD3 gene, results from an A to T substitution at nucleotide position 316. The methionine at codon 106 is replaced by leucine, an amino acid with highly similar properties. This amino acid position is conserved. In addition, the in silico prediction for this alteration is inconclusive. Since supporting evidence is limited at this time, the clinical significance of this alteration remains unclear.